The following is an entry in ClinVar:

ClinVar aggregate classification (germline): Benign/Likely benign. Review status: criteria provided, multiple submitters, no conflicts (2 of 4 stars). 7 submissions from 7 submitters: Benign (2); Likely benign (5). Last evaluated 2026-01-26.

Conditions:
Hereditary nonpolyposis colorectal neoplasms. Identifiers: MedGen C0009405, MeSH D003123.
Hereditary cancer-predisposing syndrome. Also called: Hereditary neoplastic syndrome; Neoplastic Syndromes, Hereditary; Tumor predisposition; Hereditary Cancer Syndrome. Identifiers: Orphanet 140162, MedGen C0027672, MeSH D009386, MONDO:0015356.
Lynch syndrome 4 (LYNCH4). Also called: Colorectal cancer, hereditary nonpolyposis, type 4; Hereditary non-polyposis colorectal cancer, type 4. Identifiers: Orphanet 144, MedGen C1838333, MONDO:0013699, OMIM 614337. Disease mechanism: loss of function.

Submissions (7):

Labcorp Genetics (formerly Invitae), Labcorp
Classification: Likely benign for Hereditary nonpolyposis colorectal neoplasms. Last evaluated: 2026-01-26. Review status: criteria provided, single submitter. Criteria: Invitae Variant Classification Sherloc (09022015). Collection method: clinical testing. Allele origin: germline.

Quest Diagnostics Nichols Institute San Juan Capistrano
Classification: Likely benign. Last evaluated: 2025-08-27. Review status: criteria provided, single submitter. Criteria: Quest Diagnostics criteria. Collection method: clinical testing. Allele origin: unknown.

Myriad Genetics, Inc.
Classification: Benign for Lynch syndrome 4. Last evaluated: 2025-02-04. Review status: criteria provided, single submitter. Criteria: Myriad Autosomal Dominant, Autosomal Recessive and X-Linked Classification Criteria (2023). Collection method: clinical testing. Allele origin: unknown.
Comment: This variant is considered benign. This variant is a silent/synonymous amino acid change and it is not expected to impact splicing.

Color Diagnostics, LLC DBA Color Health
Classification: Likely benign for Hereditary cancer-predisposing syndrome. Last evaluated: 2022-01-25. Review status: criteria provided, single submitter. Criteria: ACMG Guidelines, 2015. Collection method: clinical testing. Allele origin: germline.

Women's Health and Genetics/Laboratory Corporation of America, LabCorp
Classification: Likely benign. Last evaluated: 2019-08-29. Review status: criteria provided, single submitter. Criteria: LabCorp Variant Classification Summary - May 2015. Collection method: clinical testing. Allele origin: germline.

Ambry Genetics
Classification: Likely benign for Hereditary cancer-predisposing syndrome. Last evaluated: 2015-09-14. Review status: criteria provided, single submitter. Criteria: Ambry Variant Classification Scheme 2023. Collection method: clinical testing. Allele origin: germline.

GeneDx
Classification: Benign. Last evaluated: 2015-03-03. Review status: criteria provided, single submitter. Criteria: GeneDx Variant Classification Process June 2021. Collection method: clinical testing. Allele origin: germline. Affected: yes.

NM_000535.7(PMS2):c.2538A>G (p.Gly846=)

Gene: PMS2 (PMS1 homolog 2, mismatch repair system component; minus strand). Cytogenetic location: 7p22.1.
Variant type: single nucleotide variant.
Coding change: c.2538A>G on transcript NM_000535.7 (MANE Select); coding-DNA position 2538, A replaced by G.
Protein change: p.Gly846=; no amino-acid change (glycine 846 retained).
Molecular consequence: synonymous variant. On other transcripts: non-coding transcript variant (1).
Genome position (GRCh38, 1-based): chr7:5,973,450, T>C on the plus strand (A>G on the coding strand, the complement: PMS2 is on the minus strand). VCF-style: chr7-5973450-T-C. GRCh37 (hg19) VCF-style: chr7-6013081-T-C.
Other names: c.2133A>G, p.Gly711= (NM_001322003.2, NM_001322004.2, NM_001322005.2); c.2382A>G, p.Gly794= (NM_001322006.2); c.2220A>G, p.Gly740= (NM_001322007.2, NM_001322008.2); c.2166A>G, p.Gly722= (NM_001322009.2); c.1977A>G, p.Gly659= (NM_001322010.2); c.1605A>G, p.Gly535= (NM_001322011.2, NM_001322012.2); c.1965A>G, p.Gly655= (NM_001322013.2); c.2571A>G, p.Gly857= (NM_001322014.2); and 1 more.
Identifiers: ClinVar variation 215757 (VCV000215757.26), dbSNP rs863224368, ClinGen allele CA335802.